The following is an entry in ClinVar:

NM_005506.4(SCARB2):c.951C>G (p.Asn317Lys)

Gene: SCARB2 (scavenger receptor class B member 2; minus strand). Cytogenetic location: 4q21.1.
Variant type: single nucleotide variant.
Coding change: c.951C>G on transcript NM_005506.4 (MANE Select); coding-DNA position 951, C replaced by G.
Protein change: p.Asn317Lys; replaces asparagine 317 with lysine.
Molecular consequence: missense variant.
Genome position (GRCh38, 1-based): chr4:76,174,187, G>C on the plus strand (C>G on the coding strand, the complement: SCARB2 is on the minus strand). VCF-style: chr4-76174187-G-C. GRCh37 (hg19) VCF-style: chr4-77095340-G-C.
Other names: c.522C>G, p.Asn174Lys (NM_001204255.2); short protein forms N174K, N317K.
Identifiers: ClinVar variation 1017958 (VCV001017958.8), dbSNP rs1732195814, ClinGen allele CA357315610.

ClinVar aggregate classification (germline): Uncertain significance (1 of 4 stars; one submission).

Conditions:
Progressive myoclonic epilepsy. Also called: Familial progressive myoclonic epilepsy; Myoclonic Epilepsies, Progressive; Myoclonus epilepsy; Progressive myoclonus epilepsy. Identifiers: Orphanet 308, Orphanet 98261, MedGen C0751778, MONDO:0020074.

Submission:

Labcorp Genetics (formerly Invitae), Labcorp
Classification: Uncertain significance for Progressive myoclonic epilepsy. Last evaluated: 2024-05-22. Review status: criteria provided, single submitter. Criteria: Invitae Variant Classification Sherloc (09022015). Collection method: clinical testing. Allele origin: germline.
Comment: This sequence change replaces asparagine, which is neutral and polar, with lysine, which is basic and polar, at codon 317 of the SCARB2 protein (p.Asn317Lys). This variant is not present in population databases (gnomAD no frequency). This variant has not been reported in the literature in individuals affected with SCARB2-related conditions. ClinVar contains an entry for this variant (Variation ID: 1017958). Advanced modeling of protein sequence and biophysical properties (such as structural, functional, and spatial information, amino acid conservation, physicochemical variation, residue mobility, and thermodynamic stability) performed at Invitae indicates that this missense variant is not expected to disrupt SCARB2 protein function with a negative predictive value of 80%. In summary, the available evidence is currently insufficient to determine the role of this variant in disease. Therefore, it has been classified as a Variant of Uncertain Significance.